The following is an entry in ClinVar:

NM_002968.3(SALL1):c.472A>G (p.Ser158Gly)

Gene: SALL1 (spalt like transcription factor 1; minus strand). Cytogenetic location: 16q12.1.
Variant type: single nucleotide variant.
Coding change: c.472A>G on transcript NM_002968.3 (MANE Select); coding-DNA position 472, A replaced by G.
Protein change: p.Ser158Gly; replaces serine 158 with glycine.
Molecular consequence: missense variant.
Genome position (GRCh38, 1-based): chr16:51,141,750, T>C on the plus strand (A>G on the coding strand, the complement: SALL1 is on the minus strand). VCF-style: chr16-51141750-T-C. GRCh37 (hg19) VCF-style: chr16-51175661-T-C.
Other names: p.Ser158Gly; c.181A>G, p.Ser61Gly (NM_001127892.2); short protein forms S158G, S61G.
Identifiers: ClinVar variation 258873 (VCV000258873.48), dbSNP rs139646526, ClinGen allele CA8053471.

ClinVar aggregate classification (germline): Benign/Likely benign. Review status: criteria provided, multiple submitters, no conflicts (2 of 4 stars). 8 submissions from 8 submitters: Benign (3); Likely benign (4). 1 of the submissions does not count toward it. Last evaluated 2026-04-01.

Conditions:
SALL1-related disorder. Also called: SALL1-related condition.
Townes syndrome (TBS). Also called: Townes-Brocks syndrome. Identifiers: Orphanet 857, MedGen C0265246, MeSH C536974, MONDO:0007142.

Allele frequency attached by ClinVar (database versions not stated): ESP Exome Variant Server 0.00163; gnomAD 0.00316; 1000 Genomes Project 0.00439; TOPMed 0.00553.

Submissions (8):

CeGaT Center for Human Genetics Tuebingen
Classification: Likely benign. Last evaluated: 2026-04-01. Review status: criteria provided, single submitter. Criteria: CeGaT Center For Human Genetics Tuebingen Variant Classification Criteria Version 2. Collection method: clinical testing. Allele origin: germline. Affected: yes. Observed: 6 variant alleles.
Comment: SALL1: BP4, BS1

Labcorp Genetics (formerly Invitae), Labcorp
Classification: Benign for Townes syndrome. Last evaluated: 2026-01-15. Review status: criteria provided, single submitter. Criteria: Invitae Variant Classification Sherloc (09022015). Collection method: clinical testing. Allele origin: germline.

Mayo Clinic Laboratories, Mayo Clinic
Classification: Likely benign. Last evaluated: 2025-02-24. Review status: criteria provided, single submitter. Criteria: ACMG Guidelines, 2015. Collection method: clinical testing. Allele origin: germline. Observed: 2 variant alleles.
Comment: BS1, BP4_moderate

Blueprint Genetics
Classification: Likely benign. Last evaluated: 2024-11-12. Review status: criteria provided, single submitter. Criteria: ACMG Guidelines, 2015. Collection method: clinical testing. Allele origin: germline.

Eurofins Ntd Llc (ga)
Classification: Benign. Last evaluated: 2017-04-20. Review status: criteria provided, single submitter. Criteria: EGL Classification Definitions 2015. Collection method: clinical testing. Allele origin: germline. Observed: 3 variant alleles, 3 heterozygotes.

GeneDx
Classification: Benign. Last evaluated: 2015-12-22. Review status: criteria provided, single submitter. Criteria: GeneDx Variant Classification (06012015). Collection method: clinical testing. Allele origin: germline. Affected: yes.
Comment: This variant is considered likely benign or benign based on one or more of the following criteria: it is a conservative change, it occurs at a poorly conserved position in the protein, it is predicted to be benign by multiple in silico algorithms, and/or has population frequency not consistent with disease.

Breakthrough Genomics
Classification: Likely benign. Review status: criteria provided, single submitter. Criteria: ACMG Guidelines, 2015. Collection method: not provided. Allele origin: germline. Inheritance: Autosomal dominant inheritance. Affected: yes.

PreventionGenetics, part of Exact Sciences
Classification: Benign for SALL1-related condition. Last evaluated: 2021-03-23. Review status: no assertion criteria provided. Collection method: clinical testing. Allele origin: germline. Not counted in ClinVar's aggregate classification.
Comment: This variant is classified as benign based on ACMG/AMP sequence variant interpretation guidelines (Richards et al. 2015 PMID: 25741868, with internal and published modifications).